The following is an entry in ClinVar:

ClinVar aggregate classification (germline): Uncertain significance (1 of 4 stars; one submission).

Conditions:
Duchenne muscular dystrophy (DMD). Also called: MUSCULAR DYSTROPHY, PSEUDOHYPERTROPHIC PROGRESSIVE, DUCHENNE TYPE; Duchenne Muscular Dystrophy (DMD). Identifiers: Orphanet 98896, MedGen C0013264, MONDO:0010679, OMIM 310200.

Submission:

Labcorp Genetics (formerly Invitae), Labcorp
Classification: Uncertain significance for Duchenne muscular dystrophy. Last evaluated: 2023-04-03. Review status: criteria provided, single submitter. Criteria: Invitae Variant Classification Sherloc (09022015). Collection method: clinical testing. Allele origin: unknown.
Comment: In summary, the available evidence is currently insufficient to determine the role of this variant in disease. Therefore, it has been classified as a Variant of Uncertain Significance. Experimental studies and prediction algorithms are not available or were not evaluated, and the functional significance of this variant is currently unknown. A similar copy number variant has been observed in individual(s) with Duchenne muscular dystrophy (PMID: 17726484). This variant results in a copy number gain of the genomic region encompassing exon(s) 56-57 of the DMD gene. While the exact position of this variant cannot be determined from the data, sub-genic copy number gains are generally in tandem (PMID: 25640679). This variant is predicted to be in-frame, and likely preserves the integrity of the reading frame.

Literature cited by the submitters: PubMed 17726484; PubMed 25640679.

NC_000023.10:g.(?_31514885)_(31525590_?)dup

Gene: DMD (dystrophin; minus strand). Cytogenetic location: Xp21.1.
Variant type: Duplication.
Identifiers: ClinVar variation 3243308 (VCV003243308.1).